The following is an entry in ClinVar:

NM_017780.4(CHD7):c.3964del (p.Leu1322fs)

Gene: CHD7 (chromodomain helicase DNA binding protein 7; plus strand). Cytogenetic location: 8q12.2.
Variant type: Deletion.
Coding change: c.3964del on transcript NM_017780.4 (MANE Select); coding-DNA position 3964, one base deleted (C; older notation c.3964delC).
Protein change: p.Leu1322fs; shifts the reading frame from leucine 1322.
Molecular consequence: frameshift variant. On other transcripts: intron variant (1).
Genome position (GRCh38, 1-based): chr8:60,836,258, C deleted. VCF-style (leftmost placement, unchanged base first): chr8-60836257-AC-A. GRCh37 (hg19) VCF-style: chr8-61748816-AC-A.
Other names: c.1717-25971del (NM_001316690.1); c.3964del (LRG_176t1); short protein forms L1322fs.
Identifiers: ClinVar variation 252713 (VCV000252713.3), dbSNP rs879255410, ClinGen allele CA10586003.

ClinVar aggregate classification (germline): Pathogenic. Review status: criteria provided, single submitter (1 of 4 stars). 2 submissions from 1 submitter: Pathogenic (1). 1 of the submissions does not count toward it. Last evaluated 2016-09-05.

Conditions:
CHARGE syndrome (CHARGE). Also called: Hittner Hirsch Kreh syndrome; Coloboma, heart anomaly, choanal atresia, retardation, genital and ear anomalies; CHARGE association; Hall-Hittner syndrome; CHARGE ASSOCIATION--COLOBOMA, HEART ANOMALY, CHOANAL ATRESIA, RETARDATION, GENITAL AND EAR ANOMALIES. Identifiers: Orphanet 138, MedGen C0265354, MONDO:0008965.

Submissions (2):

Genomic Diagnostic Laboratory, Division of Genomic Diagnostics, Children's Hospital of Philadelphia
Classification: Pathogenic for CHARGE syndrome. Last evaluated: 2016-09-05. Review status: criteria provided, single submitter. Criteria: DGD Variant Analysis Guidelines. Collection method: clinical testing. Allele origin: germline. Affected: yes. Observed: 1 variant allele.
Comment: Clinical Testing

Genomic Diagnostic Laboratory, Division of Genomic Diagnostics, Children's Hospital of Philadelphia
Classification: Pathogenic. Last evaluated: 2015-09-03. Review status: flagged submission. Criteria: DGD Variant Analysis Guidelines. Collection method: clinical testing. Allele origin: unknown. Not counted in ClinVar's aggregate classification.
ClinVar note: Reason: This record appears to be redundant with a more recent record from the same submitter.
ClinVar note: Notes: SCV000297273 appears to be redundant with SCV000328337.